The following is an entry in ClinVar:

NM_002471.4(MYH6):c.2033A>G (p.Asn678Ser)

Gene: MYH6 (myosin heavy chain 6; minus strand). Cytogenetic location: 14q11.2.
Variant type: single nucleotide variant.
Coding change: c.2033A>G on transcript NM_002471.4 (MANE Select); coding-DNA position 2033, A replaced by G.
Protein change: p.Asn678Ser; replaces asparagine 678 with serine.
Molecular consequence: missense variant.
Genome position (GRCh38, 1-based): chr14:23,397,187, T>C on the plus strand (A>G on the coding strand, the complement: MYH6 is on the minus strand). VCF-style: chr14-23397187-T-C. GRCh37 (hg19) VCF-style: chr14-23866396-T-C.
Other names: short protein forms N678S.
Identifiers: ClinVar variation 139663 (VCV000139663.5), dbSNP rs515726230, ClinGen allele CA163406.

ClinVar aggregate classification (germline): Uncertain significance. Review status: criteria provided, single submitter (1 of 4 stars). 3 submissions from 3 submitters: Uncertain significance (1). 2 of the submissions do not count toward it. Last evaluated 2024-01-12.

Conditions:
MYH6-related disorder. Also called: MYH6-Related Disorders; MYH6-related condition.
Abnormal heart morphology. Also called: Heart, malformation of; Abnormality of cardiac morphology. Identifiers: MedGen C0018798, MeSH D006330, HP:0001627.

Allele frequency attached by ClinVar (database versions not stated): gnomAD exomes below 0.00001; TOPMed below 0.00001; ExAC 0.00001.
gnomAD v4.1: 4 of 1,614,134 alleles (0.00025%); highest among the groups gnomAD compares: East Asian, 0.0022%; no homozygotes.

Submissions (3):

GeneDx
Classification: Uncertain significance. Last evaluated: 2024-01-12. Review status: criteria provided, single submitter. Criteria: GeneDx Variant Classification Process June 2021. Collection method: clinical testing. Allele origin: germline. Affected: yes.
Comment: Not observed at significant frequency in large population cohorts (gnomAD); In silico analysis supports that this missense variant has a deleterious effect on protein structure/function; This variant is associated with the following publications: (PMID: 35621855, 25931334)

PreventionGenetics, part of Exact Sciences
Classification: Uncertain significance for MYH6-related condition. Last evaluated: 2024-01-15. Review status: no assertion criteria provided. Collection method: clinical testing. Allele origin: germline. Not counted in ClinVar's aggregate classification.
Comment: The MYH6 c.2033A>G variant is predicted to result in the amino acid substitution p.Asn678Ser. This variant has been reported to segregate with disease in a large family with congenital heart disease (Jia et al. 2015. PubMed ID: 25931334). This variant is reported in 0.0033% of alleles in individuals of South Asian descent in gnomAD. At this time, the clinical significance of this variant is uncertain due to the absence of conclusive functional and genetic evidence.

Laboratory for Genetics of Human Development Center for Human Genetics, Catholic University of Leuven
Classification: Likely pathogenic. Review status: no assertion criteria provided. Collection method: not provided. Allele origin: germline, inherited. Not counted in ClinVar's aggregate classification.
Comment: this variant was identified in a 4 generation family with multiple members affected with congenital heart defects (multiple types)
ClinVar note: Converted during submission from probable-pathogenic to Likely pathogenic.